The following is an entry in ClinVar:

NM_176824.3(BBS7):c.22A>G (p.Met8Val)

Genes: BBS7 (Bardet-Biedl syndrome 7; minus strand), LOC129993036 (ATAC-STARR-seq lymphoblastoid active region 21872; plus strand). Cytogenetic location: 4q27.
Variant type: single nucleotide variant.
Coding change: c.22A>G on transcript NM_176824.3 (MANE Select); coding-DNA position 22, A replaced by G.
Protein change: p.Met8Val; replaces methionine 8 with valine.
Molecular consequence: missense variant.
Genome position (GRCh38, 1-based): chr4:121,870,292, T>C on the plus strand (A>G on the coding strand, the complement: BBS7 is on the minus strand). VCF-style: chr4-121870292-T-C. GRCh37 (hg19) VCF-style: chr4-122791447-T-C.
Other names: c.22A>G, p.Met8Val (NM_018190.4); short protein forms M8V.
Identifiers: ClinVar variation 1450821 (VCV001450821.3), dbSNP rs757370927, ClinGen allele CA358046480.
Genomic context (GRCh38, chr4:121,870,292, plus strand): 5'-TGCTGGGCTTGCCCAGCGCGGCGCCCGCCCTATCCCTTGGGTTTACCTGCAGATAATCCA[T>C]TCGGTTTAAAATCAGATCCATGATGACTACGCGGAGGGGCTAAGCAGCGCCGGACAAGAA-3'
Protein context (NP_789794.1, residues 1-18): MDLILNR[Met8Val]DYLQVGVTSQ

ClinVar aggregate classification (germline): Uncertain significance (1 of 4 stars; one submission).

Conditions:
Bardet-Biedl syndrome (BBS). Identifiers: Orphanet 110, MedGen C0752166, MONDO:0015229.

gnomAD v4.1: 2 of 1,614,064 alleles (0.00012%); highest among the groups gnomAD compares: East Asian, 0.0022%; no homozygotes.

Submission:

Labcorp Genetics (formerly Invitae), Labcorp
Classification: Uncertain significance for Bardet-Biedl syndrome. Last evaluated: 2022-10-05. Review status: criteria provided, single submitter. Criteria: Invitae Variant Classification Sherloc (09022015). Collection method: clinical testing. Allele origin: germline.
Comment: This sequence change replaces methionine, which is neutral and non-polar, with valine, which is neutral and non-polar, at codon 8 of the BBS7 protein (p.Met8Val). This variant is present in population databases (no rsID available, gnomAD 0.006%). This variant has not been reported in the literature in individuals affected with BBS7-related conditions. ClinVar contains an entry for this variant (Variation ID: 1450821). Advanced modeling of protein sequence and biophysical properties (such as structural, functional, and spatial information, amino acid conservation, physicochemical variation, residue mobility, and thermodynamic stability) performed at Invitae indicates that this missense variant is not expected to disrupt BBS7 protein function. In summary, the available evidence is currently insufficient to determine the role of this variant in disease. Therefore, it has been classified as a Variant of Uncertain Significance.